The following is an entry in ClinVar:

ClinVar aggregate classification (germline): Uncertain significance. Review status: criteria provided, single submitter (1 of 4 stars). 2 submissions from 2 submitters: Uncertain significance (1). 1 of the submissions does not count toward it. Last evaluated 2019-07-18.

Conditions:
Myopathy, lactic acidosis, and sideroblastic anemia. Also called: Mitochondrial myopathy and sideroblastic anemia; Myopathy with lactic acidosis and sideroblastic anemia. Identifiers: Orphanet 2598, MedGen C1838103, MONDO:0000863.

Allele frequency attached by ClinVar (database versions not stated): gnomAD 0.00001; ESP Exome Variant Server 0.00008.

Submissions (2):

GeneDx
Classification: Uncertain significance. Last evaluated: 2019-07-18. Review status: criteria provided, single submitter. Criteria: GeneDx Variant Classification Process June 2021. Collection method: clinical testing. Allele origin: germline. Affected: yes.
Comment: Not observed at a significant frequency in large population cohorts (Lek et al., 2016); In silico analysis, which includes protein predictors and evolutionary conservation, supports that this variant does not alter protein structure/function; Has not been previously published as pathogenic or benign to our knowledge

Natera, Inc.
Classification: Uncertain significance for Mitochondrial myopathy and sideroblastic anemia. Last evaluated: 2020-12-05. Review status: no assertion criteria provided. Collection method: clinical testing. Allele origin: germline. Not counted in ClinVar's aggregate classification.

NM_025215.6(PUS1):c.41G>A (p.Arg14Gln)

Gene: PUS1 (pseudouridine synthase 1; plus strand). Cytogenetic location: 12q24.33.
Variant type: single nucleotide variant.
Coding change: c.41G>A on transcript NM_025215.6 (MANE Select); coding-DNA position 41, G replaced by A.
Protein change: p.Arg14Gln; replaces arginine 14 with glutamine.
Molecular consequence: missense variant. On other transcripts: intron variant (2).
Genome position (GRCh38, 1-based): chr12:131,929,763, G>A. VCF-style: chr12-131929763-G-A. GRCh37 (hg19) VCF-style: chr12-132414308-G-A.
Other names: c.-10-144G>A (NM_001002019.3, NM_001002020.3); short protein forms R14Q.
Identifiers: ClinVar variation 1197754 (VCV001197754.3), dbSNP rs146103500, ClinGen allele CA246181732.